The following is an entry in ClinVar:

NM_001367624.2(ZNF469):c.3398A>T (p.Asp1133Val)

Gene: ZNF469 (zinc finger protein 469; plus strand). Cytogenetic location: 16q24.2.
Variant type: single nucleotide variant.
Coding change: c.3398A>T on transcript NM_001367624.2 (MANE Select); coding-DNA position 3398, A replaced by T.
Protein change: p.Asp1133Val; replaces aspartic acid 1133 with valine.
Molecular consequence: missense variant.
Genome position (GRCh38, 1-based): chr16:88,430,868, A>T. VCF-style: chr16-88430868-A-T. GRCh37 (hg19) VCF-style: chr16-88497276-A-T.
Other names: NM_001127464.1:c.3314A>T; short protein forms D1133V.
Identifiers: ClinVar variation 3987362 (VCV003987362.1).

ClinVar aggregate classification (germline): Uncertain significance (1 of 4 stars; one submission).

Conditions:
Cardiovascular phenotype. Identifiers: MedGen CN230736.

gnomAD v4.1: 1 of 1,537,016 alleles (0.000065%); highest among the groups gnomAD compares: Non-Finnish European, 0.000087%; no homozygotes.

Submission:

Ambry Genetics
Classification: Uncertain significance for Cardiovascular phenotype. Last evaluated: 2025-05-26. Review status: criteria provided, single submitter. Criteria: Ambry Variant Classification Scheme 2023. Collection method: clinical testing. Allele origin: germline.
Comment: The p.D1105V variant (also known as c.3314A>T), located in coding exon 2 of the ZNF469 gene, results from an A to T substitution at nucleotide position 3314. The aspartic acid at codon 1105 is replaced by valine, an amino acid with highly dissimilar properties. This amino acid position is conserved. In addition, this alteration is predicted to be tolerated by in silico analysis. Based on the available evidence, the clinical significance of this variant remains unclear.